The following is an entry in ClinVar:

ClinVar aggregate classification (germline): Uncertain significance (1 of 4 stars; one submission).

Conditions:
Rubinstein-Taybi syndrome (RSTS). Identifiers: Orphanet 783, MedGen C0035934, MONDO:0019188.

Submission:

Labcorp Genetics (formerly Invitae), Labcorp
Classification: Uncertain significance for Rubinstein-Taybi syndrome. Last evaluated: 2022-08-01. Review status: criteria provided, single submitter. Criteria: Invitae Variant Classification Sherloc (09022015). Collection method: clinical testing. Allele origin: germline.
Comment: In summary, the available evidence is currently insufficient to determine the role of this variant in disease. Therefore, it has been classified as a Variant of Uncertain Significance. Advanced modeling of protein sequence and biophysical properties (such as structural, functional, and spatial information, amino acid conservation, physicochemical variation, residue mobility, and thermodynamic stability) performed at Invitae indicates that this missense variant is not expected to disrupt CREBBP protein function. This variant has not been reported in the literature in individuals affected with CREBBP-related conditions. This variant is not present in population databases (gnomAD no frequency). This sequence change replaces glutamine, which is neutral and polar, with arginine, which is basic and polar, at codon 200 of the CREBBP protein (p.Gln200Arg).

NM_004380.3(CREBBP):c.599A>G (p.Gln200Arg)

Gene: CREBBP (CREB binding lysine acetyltransferase; minus strand). Cytogenetic location: 16p13.3.
Variant type: single nucleotide variant.
Coding change: c.599A>G on transcript NM_004380.3 (MANE Select); coding-DNA position 599, A replaced by G.
Protein change: p.Gln200Arg; replaces glutamine 200 with arginine.
Molecular consequence: missense variant.
Genome position (GRCh38, 1-based): chr16:3,850,496, T>C on the plus strand (A>G on the coding strand, the complement: CREBBP is on the minus strand). VCF-style: chr16-3850496-T-C. GRCh37 (hg19) VCF-style: chr16-3900497-T-C.
Other names: c.599A>G, p.Gln200Arg (NM_001079846.1); short protein forms Q200R.
Identifiers: ClinVar variation 1714690 (VCV001714690.5), dbSNP rs2141491316, ClinGen allele CA394560415.